The following is an entry in ClinVar:

ClinVar aggregate classification (germline): Conflicting classifications of pathogenicity. Review status: criteria provided, conflicting classifications (1 of 4 stars). 7 submissions from 7 submitters: Uncertain significance (4); Likely benign (3). Last evaluated 2026-02-03.

Conditions:
Cardiovascular phenotype. Identifiers: MedGen CN230736.
Dilated cardiomyopathy 1AA (CMD1AA). Also called: CARDIOMYOPATHY, DILATED, 1AA, WITH OR WITHOUT LEFT VENTRICULAR NONCOMPACTION; CARDIOMYOPATHY, FAMILIAL HYPERTROPHIC, 23, WITH OR WITHOUT LEFT VENTRICULAR NONCOMPACTION; Cardiomyopathy, dilated, 1AA, with or without LVNC. Identifiers: Orphanet 154, MedGen C2677338, MONDO:0012808, OMIM 612158.
Primary familial hypertrophic cardiomyopathy (HCM). Identifiers: Orphanet 99739, MedGen C0949658, MeSH D024741, MONDO:0024573. Inheritance: Various modes of inheritance.

Allele frequency attached by ClinVar (database versions not stated): ExAC 0.00006; gnomAD exomes 0.00006 and 0.00007; gnomAD 0.00007; TOPMed 0.00007; ESP Exome Variant Server 0.00015.
gnomAD v4.1: 111 of 1,614,044 alleles (0.0069%); highest among the groups gnomAD compares: Middle Eastern, 0.016%; 1 homozygote.

Submissions (7):

Labcorp Genetics (formerly Invitae), Labcorp
Classification: Likely benign for Primary familial hypertrophic cardiomyopathy; Dilated cardiomyopathy 1AA. Last evaluated: 2026-02-03. Review status: criteria provided, single submitter. Criteria: Invitae Variant Classification Sherloc (09022015). Collection method: clinical testing. Allele origin: germline.

Molecular Diagnostic Laboratory for Inherited Cardiovascular Disease, Montreal Heart Institute
Classification: Uncertain significance for Cardiovascular phenotype. Last evaluated: 2025-04-09. Review status: criteria provided, single submitter. Criteria: ACMG Guidelines, 2015. Collection method: clinical testing. Allele origin: germline. Affected: yes.

Ambry Genetics
Classification: Uncertain significance for Cardiovascular phenotype. Last evaluated: 2024-11-12. Review status: criteria provided, single submitter. Criteria: Ambry Variant Classification Scheme 2023. Collection method: clinical testing. Allele origin: germline.
Comment: The p.G111R variant (also known as c.331G>A), located in coding exon 3 of the ACTN2 gene, results from a G to A substitution at nucleotide position 331. The glycine at codon 111 is replaced by arginine, an amino acid with dissimilar properties. This alteration has been reported in association with dilated cardiomyopathy (DCM) (Golbus JR et al. Circ Cardiovasc Genet, 2014 Dec;7:751-759). This amino acid position is highly conserved in available vertebrate species. In addition, this alteration is predicted to be deleterious by in silico analysis. Since supporting evidence is limited at this time, the clinical significance of this alteration remains unclear.

Blueprint Genetics
Classification: Likely benign. Last evaluated: 2024-06-26. Review status: criteria provided, single submitter. Criteria: ACMG Guidelines, 2015. Collection method: clinical testing. Allele origin: germline.

GeneDx
Classification: Uncertain significance. Last evaluated: 2024-06-16. Review status: criteria provided, single submitter. Criteria: GeneDx Variant Classification Process June 2021. Collection method: clinical testing. Allele origin: germline.
Comment: Identified in a patient with DCM who underwent whole exome sequencing; however, this individual also harbored a TTN frameshift variant that segregated with DCM in many affected family members, while the p.(G111R) variant did not segregate with disease (PMID: 25179549); In silico analysis supports that this missense variant has a deleterious effect on protein structure/function; This variant is associated with the following publications: (PMID: 36116040, 25179549)

Revvity Omics, Revvity
Classification: Uncertain significance. Last evaluated: 2022-12-14. Review status: criteria provided, single submitter. Criteria: ACMG Guidelines, 2015. Collection method: clinical testing. Allele origin: germline.

Women's Health and Genetics/Laboratory Corporation of America, LabCorp
Classification: Likely benign. Last evaluated: 2019-05-28. Review status: criteria provided, single submitter. Criteria: LabCorp Variant Classification Summary - May 2015. Collection method: clinical testing. Allele origin: germline.
Comment: Variant summary: ACTN2 c.331G>A (p.Gly111Arg) results in a non-conservative amino acid change located in the Calponin homology domain (IPR001715) of the encoded protein sequence. Three of five in-silico tools predict a damaging effect of the variant on protein function. The variant allele was found at a frequency of 5.6e-05 in 251446 control chromosomes in the gnomAD database, including 1 homozygote. The observed variant frequency is approximately 2.2 fold of the estimated maximal expected allele frequency for a pathogenic variant in ACTN2 causing Cardiomyopathy phenotype (2.5e-05), strongly suggesting that the variant is benign. c.331G>A has been reported in the literature to not segregate with disease in a large family affected with dilated Cardiomyopathy in whom a causal variant in a different gene (TTN) was identified (Golbus_2014). To our knowledge, no experimental evidence demonstrating an impact on protein function has been reported. One clinical diagnostic laboratory has submitted clinical-significance assessments for this variant to ClinVar after 2014 without evidence for independent evaluation and classified the variant as uncertain significance. Based on the evidence outlined above, the variant was classified as likely benign.

Literature cited by the submitters: PubMed 25179549 (cited by Ambry Genetics and Women's Health and Genetics/Laboratory Corporation of America, LabCorp).

NM_001103.4(ACTN2):c.331G>A (p.Gly111Arg)

Gene: ACTN2 (actinin alpha 2; plus strand). Cytogenetic location: 1q43.
Variant type: single nucleotide variant.
Coding change: c.331G>A on transcript NM_001103.4 (MANE Select); coding-DNA position 331, G replaced by A.
Protein change: p.Gly111Arg; replaces glycine 111 with arginine.
Molecular consequence: missense variant. On other transcripts: 5 prime UTR variant (1).
Genome position (GRCh38, 1-based): chr1:236,718,983, G>A. VCF-style: chr1-236718983-G-A. GRCh37 (hg19) VCF-style: chr1-236882283-G-A.
Other names: c.331G>A, p.Gly111Arg (NM_001278343.2); c.-491G>A (NM_001278344.2); short protein forms G111R.
Identifiers: ClinVar variation 463209 (VCV000463209.20), dbSNP rs148628141, ClinGen allele CA1472762.